The following is an entry in ClinVar:

NM_014989.7(RIMS1):c.256C>G (p.Gln86Glu)

Gene: RIMS1 (regulating synaptic membrane exocytosis 1; plus strand). Cytogenetic location: 6q13.
Variant type: single nucleotide variant.
Coding change: c.256C>G on transcript NM_014989.7 (MANE Select); coding-DNA position 256, C replaced by G.
Protein change: p.Gln86Glu; replaces glutamine 86 with glutamic acid.
Molecular consequence: missense variant.
Genome position (GRCh38, 1-based): chr6:72,096,959, C>G. VCF-style: chr6-72096959-C-G. GRCh37 (hg19) VCF-style: chr6-72806662-C-G.
Other names: c.253C>G, p.Gln85Glu (NM_001350411.1); c.175C>G, p.Gln59Glu (NM_001350412.1); c.256C>G, p.Gln86Glu (NM_001350413.1); short protein forms Q59E, Q86E, Q85E.
Identifiers: ClinVar variation 1040005 (VCV001040005.8), dbSNP rs1427244177, ClinGen allele CA364822164.

ClinVar aggregate classification (germline): Uncertain significance (1 of 4 stars; one submission).

Allele frequency attached by ClinVar (database versions not stated): gnomAD exomes below 0.00001.
gnomAD v4.1: 3 of 1,613,080 alleles (0.00019%); highest among the groups gnomAD compares: African/African-American, 0.0027%; no homozygotes.

Submission:

Labcorp Genetics (formerly Invitae), Labcorp
Classification: Uncertain significance. Last evaluated: 2020-10-02. Review status: criteria provided, single submitter. Criteria: Invitae Variant Classification Sherloc (09022015). Collection method: clinical testing. Allele origin: germline.
Comment: Algorithms developed to predict the effect of missense changes on protein structure and function are either unavailable or do not agree on the potential impact of this missense change (SIFT: "Deleterious"; PolyPhen-2: "Possibly Damaging"; Align-GVGD: "Class C0"). This sequence change replaces glutamine with glutamic acid at codon 86 of the RIMS1 protein (p.Gln86Glu). The glutamine residue is moderately conserved and there is a small physicochemical difference between glutamine and glutamic acid. This variant is not present in population databases (ExAC no frequency). This variant has not been reported in the literature in individuals with RIMS1-related conditions. In summary, the available evidence is currently insufficient to determine the role of this variant in disease. Therefore, it has been classified as a Variant of Uncertain Significance.